The following is an entry in ClinVar:

ClinVar aggregate classification (germline): Uncertain significance (1 of 4 stars; one submission).

Conditions:
Leigh syndrome (NULS). Also called: Leigh's necrotizing encephalopathy; Leigh's disease; Leigh Syndrome (mtDNA deletion); Leigh Disease; Subacute necrotizing encephalopathy; Necrotizing encephalopathy infantile subacute of Leigh. Identifiers: Orphanet 506, MedGen C2931891, MONDO:0009723, OMIM 256000.

Submission:

Wong Mito Lab, Molecular and Human Genetics, Baylor College of Medicine
Classification: Uncertain significance for Leigh syndrome. Last evaluated: 2019-10-17. Review status: criteria provided, single submitter. Criteria: Modified ACMG Guidelines (Unpublished). Collection method: clinical testing. Allele origin: germline.
Comment: The NC_012920.1:m.13376T>C (YP_003024036.1:p.Ile347Thr) variant in MTND5 gene is interpretated to be a Uncertain Significance variant based on the modified ACMG guidelines (unpublished). This variant meets the following evidence codes: PM9, PP4, PP6, PP7

NC_012920.1(MT-ND5):m.13376T>C

Gene: MT-ND5 (mitochondrially encoded NADH dehydrogenase 5; plus strand).
Variant type: single nucleotide variant.
Genome position: chrM-13376-T-C.
Identifiers: ClinVar variation 693549 (VCV000693549.1), dbSNP rs1603224166, ClinGen allele CA414817711.